The following is an entry in ClinVar:

NM_000419.5(ITGA2B):c.362G>A (p.Arg121His)

Gene: ITGA2B (integrin subunit alpha 2b; minus strand). Cytogenetic location: 17q21.31.
Variant type: single nucleotide variant.
Coding change: c.362G>A on transcript NM_000419.5 (MANE Select); coding-DNA position 362, G replaced by A.
Protein change: p.Arg121His; replaces arginine 121 with histidine.
Molecular consequence: missense variant.
Genome position (GRCh38, 1-based): chr17:44,385,870, C>T on the plus strand (G>A on the coding strand, the complement: ITGA2B is on the minus strand). VCF-style: chr17-44385870-C-T. GRCh37 (hg19) VCF-style: chr17-42463238-C-T.
Other names: short protein forms R121H.
Identifiers: ClinVar variation 3344460 (VCV003344460.1).

ClinVar aggregate classification (germline): Uncertain significance (0 of 4 stars; one submission).

Conditions:
ITGA2B-related disorder. Also called: ITGA2B-related condition; ITGA2B-related disorders.

gnomAD v4.1: 4 of 1,606,374 alleles (0.00025%); highest among the groups gnomAD compares: East Asian, 0.0022%; no homozygotes.

Submission:

PreventionGenetics, part of Exact Sciences
Classification: Uncertain significance for ITGA2B-related condition. Last evaluated: 2024-06-15. Review status: no assertion criteria provided. Collection method: clinical testing. Allele origin: germline.
Comment: The ITGA2B c.362G>A variant is predicted to result in the amino acid substitution p.Arg121His. To our knowledge, this variant has not been reported in the literature or in a large population database, indicating this variant is rare. At this time, the clinical significance of this variant is uncertain due to the absence of conclusive functional and genetic evidence.